The following is an entry in ClinVar:

NM_033004.4(NLRP1):c.980C>T (p.Pro327Leu)

Gene: NLRP1 (NLR family pyrin domain containing 1; minus strand). Cytogenetic location: 17p13.2.
Variant type: single nucleotide variant.
Coding change: c.980C>T on transcript NM_033004.4 (MANE Select); coding-DNA position 980, C replaced by T.
Protein change: p.Pro327Leu; replaces proline 327 with leucine.
Molecular consequence: missense variant.
Genome position (GRCh38, 1-based): chr17:5,559,716, G>A on the plus strand (C>T on the coding strand, the complement: NLRP1 is on the minus strand). VCF-style: chr17-5559716-G-A. GRCh37 (hg19) VCF-style: chr17-5463036-G-A.
Other names: c.980C>T, p.Pro327Leu (NM_001033053.3, NM_014922.5, NM_033006.4 and 1 more transcripts); short protein forms P327L.
Identifiers: ClinVar variation 2846306 (VCV002846306.3), dbSNP rs2507941647, ClinGen allele CA397387401.
Genomic context (GRCh38, chr17:5,559,716, plus strand): 5'-ACCTGCCTGGCCAGTGTTGACTTCCCAATTCCAGCAGCCCCCTGCAGTATGACTATGCGA[G>A]GTTCTTGGGTATCCAGGCCTGGGCCAAATAAGTCTCTGATCTCAATTAAATGTCCTCGAT-3'
Protein context (NP_127497.1, residues 317-337): LFGPGLDTQE[Pro327Leu]RIVILQGAAG

ClinVar aggregate classification (germline): Uncertain significance (1 of 4 stars; one submission).

Submission:

Labcorp Genetics (formerly Invitae), Labcorp
Classification: Uncertain significance. Last evaluated: 2023-03-16. Review status: criteria provided, single submitter. Criteria: Invitae Variant Classification Sherloc (09022015). Collection method: clinical testing. Allele origin: germline.
Comment: This variant has not been reported in the literature in individuals affected with NLRP1-related conditions. An algorithm developed to predict the effect of missense changes on protein structure and function (PolyPhen-2) suggests that this variant is likely to be disruptive. In summary, the available evidence is currently insufficient to determine the role of this variant in disease. Therefore, it has been classified as a Variant of Uncertain Significance. This sequence change replaces proline, which is neutral and non-polar, with leucine, which is neutral and non-polar, at codon 327 of the NLRP1 protein (p.Pro327Leu). This variant is not present in population databases (gnomAD no frequency).